The following is an entry in ClinVar:

ClinVar aggregate classification (germline): Likely benign. Review status: criteria provided, multiple submitters, no conflicts (2 of 4 stars). 3 submissions from 3 submitters: Likely benign (2). 1 of the submissions does not count toward it. Last evaluated 2025-12-15.

Conditions:
DNAH9-related disorder. Also called: DNAH9-related condition.

Allele frequency attached by ClinVar (database versions not stated): gnomAD exomes 0.00013; ExAC 0.00015; gnomAD 0.00047 and 0.00048; ESP Exome Variant Server 0.00054; TOPMed 0.00056; 1000 Genomes Project 0.00080; 1000 Genomes Project 30x 0.00094.
gnomAD v4.1: 246 of 1,613,806 alleles (0.015%); highest among the groups gnomAD compares: African/African-American, 0.18%; 1 homozygote.

Submissions (3):

Labcorp Genetics (formerly Invitae), Labcorp
Classification: Likely benign. Last evaluated: 2025-12-15. Review status: criteria provided, single submitter. Criteria: Invitae Variant Classification Sherloc (09022015). Collection method: clinical testing. Allele origin: germline.

Blueprint Genetics
Classification: Likely benign. Last evaluated: 2024-05-07. Review status: criteria provided, single submitter. Criteria: ACMG Guidelines, 2015. Collection method: clinical testing. Allele origin: germline.

PreventionGenetics, part of Exact Sciences
Classification: Likely benign for DNAH9-related condition. Last evaluated: 2019-08-09. Review status: no assertion criteria provided. Collection method: clinical testing. Allele origin: germline. Not counted in ClinVar's aggregate classification.
Comment: This variant is classified as likely benign based on ACMG/AMP sequence variant interpretation guidelines (Richards et al. 2015 PMID: 25741868, with internal and published modifications).

NM_001372.4(DNAH9):c.5655C>T (p.Arg1885=)

Gene: DNAH9 (dynein axonemal heavy chain 9; plus strand). Cytogenetic location: 17p12.
Variant type: single nucleotide variant.
Coding change: c.5655C>T on transcript NM_001372.4 (MANE Select); coding-DNA position 5655, C replaced by T.
Protein change: p.Arg1885=; no amino-acid change (arginine 1885 retained).
Molecular consequence: synonymous variant.
Genome position (GRCh38, 1-based): chr17:11,719,436, C>T. VCF-style: chr17-11719436-C-T. GRCh37 (hg19) VCF-style: chr17-11622753-C-T.
Other names: c.5655C>T (NM_001372.3).
Identifiers: ClinVar variation 1539286 (VCV001539286.11), dbSNP rs111713622, ClinGen allele CA8396063.
Genomic context (GRCh38, chr17:11,719,436, plus strand): 5'-TGGGGCTCCCGCAGGACCTGCAGGCACAGGCAAGACCGAGACCACCAAGGACCTGGGCCG[C>T]GCACTGGGCATCCTGGTCTATGTGTTCAACTGCTCGGAGCAGATGGATTACAAGGTACAG-3'
Protein context (NP_001363.2, residues 1875-1895): GKTETTKDLG[Arg1885=]ALGILVYVFN